The following is an entry in ClinVar:

ClinVar aggregate classification (germline): Uncertain significance (1 of 4 stars; one submission).

Allele frequency attached by ClinVar (database versions not stated): gnomAD exomes below 0.00001; TOPMed below 0.00001.
gnomAD v4.1: 2 of 1,572,096 alleles (0.00013%); highest among the groups gnomAD compares: African/African-American, 0.0014%; no homozygotes.

Submission:

Labcorp Genetics (formerly Invitae), Labcorp
Classification: Uncertain significance. Last evaluated: 2022-01-14. Review status: criteria provided, single submitter. Criteria: Invitae Variant Classification Sherloc (09022015). Collection method: clinical testing. Allele origin: germline.
Comment: This sequence change affects codon 3194 of the SZT2 mRNA. It is a 'silent' change, meaning that it does not change the encoded amino acid sequence of the SZT2 protein. This variant is not present in population databases (gnomAD no frequency). This variant has not been reported in the literature in individuals affected with SZT2-related conditions. Algorithms developed to predict the effect of sequence changes on RNA splicing suggest that this variant may create or strengthen a splice site. In summary, the available evidence is currently insufficient to determine the role of this variant in disease. Therefore, it has been classified as a Variant of Uncertain Significance.

NM_001365999.1(SZT2):c.9753G>A (p.Leu3251=)

Genes: SZT2 (SZT2 subunit of KICSTOR complex; plus strand), SZT2-AS1 (SZT2 antisense RNA 1; minus strand). Cytogenetic location: 1p34.2.
Variant type: single nucleotide variant.
Coding change: c.9753G>A on transcript NM_001365999.1 (MANE Select); coding-DNA position 9753, G replaced by A.
Protein change: p.Leu3251=; no amino-acid change (leucine 3251 retained).
Molecular consequence: synonymous variant. On other transcripts: non-coding transcript variant (1).
Genome position (GRCh38, 1-based): chr1:43,448,268, G>A. VCF-style: chr1-43448268-G-A. GRCh37 (hg19) VCF-style: chr1-43913939-G-A.
Other names: c.9582G>A, p.Leu3194= (NM_015284.4).
Identifiers: ClinVar variation 1491660 (VCV001491660.8), dbSNP rs1227318355, ClinGen allele CA417552018.